The following is an entry in ClinVar:

ClinVar aggregate classification (germline): Uncertain significance (1 of 4 stars; one submission).

Conditions:
POLD1-related polyposis and colorectal cancer syndrome (CRCS10). Also called: Colorectal cancer, susceptibility to, 10; Colorectal cancer 10; COLORECTAL CANCER, SUSCEPTIBILITY TO, ON CHROMOSOME 19q. Identifiers: Orphanet 220460, MedGen C2675481, MONDO:0012953, OMIM 612591.

Submission:

Labcorp Genetics (formerly Invitae), Labcorp
Classification: Uncertain significance for POLD1-related polyposis and colorectal cancer syndrome. Last evaluated: 2021-08-05. Review status: criteria provided, single submitter. Criteria: Invitae Variant Classification Sherloc (09022015). Collection method: clinical testing. Allele origin: germline.
Comment: This sequence change replaces proline with serine at codon 115 of the POLD1 protein (p.Pro115Ser). The proline residue is moderately conserved and there is a moderate physicochemical difference between proline and serine. The frequency data for this variant in the population databases is not available, as this variant may be reported as separate entries in the ExAC database. This variant has not been reported in the literature in individuals affected with POLD1-related conditions. Experimental studies and prediction algorithms are not available or were not evaluated, and the functional significance of this variant is currently unknown. In summary, the available evidence is currently insufficient to determine the role of this variant in disease. Therefore, it has been classified as a Variant of Uncertain Significance.

NM_002691.4(POLD1):c.342_343delinsTT (p.Pro115Ser)

Gene: POLD1 (DNA polymerase delta 1, catalytic subunit; plus strand). Cytogenetic location: 19q13.33.
Variant type: Indel.
Coding change: c.342_343delinsTT on transcript NM_002691.4 (MANE Select); coding-DNA positions 342 to 343, GC replaced by TT.
Protein change: p.Pro115Ser; replaces proline 115 with serine.
Molecular consequence: missense variant. On other transcripts: non-coding transcript variant (1).
Genome position (GRCh38, 1-based): chr19:50,401,803-50,401,804, GC replaced by TT. VCF-style: chr19-50401803-GC-TT. GRCh37 (hg19) VCF-style: chr19-50905060-GC-TT.
Other names: c.342_343delinsTT, p.Pro115Ser (NM_001256849.1, NM_001308632.1); short protein forms P115S.
Identifiers: ClinVar variation 1355455 (VCV001355455.6), dbSNP rs2122232485, ClinGen allele CA2573156542.